The following is an entry in ClinVar:

ClinVar aggregate classification (germline): Pathogenic. Review status: criteria provided, single submitter (1 of 4 stars). 2 submissions from 2 submitters: Pathogenic (1). 1 of the submissions does not count toward it. Last evaluated 2014-07-28.

Conditions:
Familial long QT syndrome (RWS). Also called: Congenital long QT syndrome; Romano-Ward syndrome; VENTRICULAR FIBRILLATION WITH PROLONGED QT INTERVAL. Identifiers: Orphanet 768, MedGen C1141890, MONDO:0019171.

Submissions (2):

GeneDx
Classification: Pathogenic. Last evaluated: 2014-07-28. Review status: criteria provided, single submitter. Criteria: GeneDx Variant Classification (06012015). Collection method: clinical testing. Allele origin: germline. Affected: yes.
Comment: p.Arg260Pro (CGT>CCT): c.779 G>C in exon 2 of the KCNJ2 gene (NM_000891.2). The R260P mutation in the KCNJ2 gene has been previously reported in association with ATS and was absent from 430 healthy, ethnically-matched reference alleles (Barajas-Martinez H et al., 2011). Functional studies noted that the R260P mutation causes dominant-negative suppression of the inward-rectifying potassium current due to a trafficking defect that significantly diminishes the cell surface expression of Kir2.1 (Barajas-Martinez et al., 2011). The R260P mutation results in a non-conservative amino acid substitution of a positively charged Arginine to a non-polar Proline at a position that is conserved across species. Furthermore, the R260P was not observed inapproximately 6,500 individuals of European and African American ancestry in the NHLBI Exome Sequencing Project, indicating it is not a common benign variant in these populations. In summary, R260P in the KCNJ2 gene is interpreted as a disease-causing mutation. The variant is found in LQT panel(s).

Cardiovascular Biomedical Research Unit, Royal Brompton & Harefield NHS Foundation Trust
No classification provided. Condition: Familial long QT syndrome. Review status: no classification provided. Collection method: literature only. Allele origin: germline. Not counted in ClinVar's aggregate classification.
Comment: This variant has been reported in the following publications (PMID:21148745).

Literature cited by the submitters: PubMed 21148745 (cited by Cardiovascular Biomedical Research Unit, Royal Brompton & Harefield NHS Foundation Trust); PubMed 22581653 (cited by Cardiovascular Biomedical Research Unit, Royal Brompton & Harefield NHS Foundation Trust).

NM_000891.3(KCNJ2):c.779G>C (p.Arg260Pro)

Gene: KCNJ2 (potassium inwardly rectifying channel subfamily J member 2; plus strand). Cytogenetic location: 17q24.3.
Variant type: single nucleotide variant.
Coding change: c.779G>C on transcript NM_000891.3 (MANE Select); coding-DNA position 779, G replaced by C.
Protein change: p.Arg260Pro; replaces arginine 260 with proline.
Molecular consequence: missense variant.
Genome position (GRCh38, 1-based): chr17:70,175,818, G>C. VCF-style: chr17-70175818-G-C. GRCh37 (hg19) VCF-style: chr17-68171959-G-C.
Other names: p.R260P:CGT>CCT; c.779G>C (LRG_328t1); short protein forms R260P.
Identifiers: ClinVar variation 67587 (VCV000067587.2), dbSNP rs199473385, ClinGen allele CA302046.